The following is an entry in ClinVar:

NM_001128840.3(CACNA1D):c.3954C>T (p.Phe1318=)

Gene: CACNA1D (calcium voltage-gated channel subunit alpha1 D; plus strand). Cytogenetic location: 3p21.1.
Variant type: single nucleotide variant.
Coding change: c.3954C>T on transcript NM_001128840.3 (MANE Select); coding-DNA position 3954, C replaced by T.
Protein change: p.Phe1318=; no amino-acid change (phenylalanine 1318 retained).
Molecular consequence: synonymous variant.
Genome position (GRCh38, 1-based): chr3:53,770,462, C>T. VCF-style: chr3-53770462-C-T. GRCh37 (hg19) VCF-style: chr3-53804489-C-T.
Other names: p.Phe1338=; c.4014C>T, p.Phe1338= (NM_000720.4); c.3909C>T, p.Phe1303= (NM_001128839.3).
Identifiers: ClinVar variation 226475 (VCV000226475.15), dbSNP rs17053501, ClinGen allele CA2454752.
Genomic context (GRCh38, chr3:53,770,462, plus strand): 5'-CCTCTCCATGATAACCCTTCAGAACTCTGAAGAGAGCAATAGAATCTCCATCACCTTTTT[C>T]CGTCTTTTCCGAGTGATGCGATTGGTGAAGCTTCTCAGCAGGGGGGAAGGCATCCGGACA-3'
Protein context (NP_001122312.1, residues 1308-1328): EESNRISITF[Phe1318=]RLFRVMRLVK

ClinVar aggregate classification (germline): Benign. Review status: criteria provided, multiple submitters, no conflicts (2 of 4 stars). 7 submissions from 7 submitters: Benign (7). Last evaluated 2026-02-04.

Conditions:
Aldosterone-producing adenoma with seizures and neurological abnormalities. Also called: Primary aldosteronism, seizures, and neurologic abnormalities. Identifiers: Orphanet 369929, MedGen C3809609, MONDO:0014200, OMIM 615474.

Allele frequency attached by ClinVar (database versions not stated): 1000 Genomes Project 30x 0.03919; TOPMed 0.04626; gnomAD exomes 0.02972 and 0.03269; ExAC 0.03249; 1000 Genomes Project 0.03874; gnomAD 0.04168 and 0.04127; ESP Exome Variant Server 0.04383.
gnomAD v4.1: 50,023 of 1,613,542 alleles (3.1%); highest among the groups gnomAD compares: Middle Eastern, 8.1%; 1,004 homozygotes.

Submissions (7):

Labcorp Genetics (formerly Invitae), Labcorp
Classification: Benign. Last evaluated: 2026-02-04. Review status: criteria provided, single submitter. Criteria: Invitae Variant Classification Sherloc (09022015). Collection method: clinical testing. Allele origin: germline.

KCCC/NGS Laboratory, Kuwait Cancer Control Center
Classification: Benign for Aldosterone-producing adenoma with seizures and neurological abnormalities. Last evaluated: 2023-07-07. Review status: criteria provided, single submitter. Criteria: ACMG Guidelines, 2015. Collection method: clinical testing. Allele origin: germline. Affected: yes.

Mayo Clinic Laboratories, Mayo Clinic
Classification: Benign. Last evaluated: 2022-04-26. Review status: criteria provided, single submitter. Criteria: ACMG Guidelines, 2015. Collection method: clinical testing. Allele origin: germline. Observed: 42 variant alleles.

Athena Diagnostics
Classification: Benign. Last evaluated: 2019-03-11. Review status: criteria provided, single submitter. Criteria: Athena Diagnostics Criteria. Collection method: clinical testing. Allele origin: germline.

GeneDx
Classification: Benign. Last evaluated: 2017-05-09. Review status: criteria provided, single submitter. Criteria: GeneDx Variant Classification (06012015). Collection method: clinical testing. Allele origin: germline. Affected: yes.
Comment: This variant is considered likely benign or benign based on one or more of the following criteria: it is a conservative change, it occurs at a poorly conserved position in the protein, it is predicted to be benign by multiple in silico algorithms, and/or has population frequency not consistent with disease.

Laboratory for Molecular Medicine, Mass General Brigham Personalized Medicine
Classification: Benign. Last evaluated: 2014-11-24. Review status: criteria provided, single submitter. Criteria: LMM Criteria. Collection method: clinical testing. Allele origin: germline. Observed: 74 variant alleles.
Comment: Phe1338Phe in exon 33 of CACNA1D: This variant is not expected to have clinical significance because it does not alter an amino acid residue and is not located within the splice consensus sequence. It has been identified in 7.1% (314/4406) of African American chromosomes from a broad population by the NHLBI Exome Seque ncing Project (dbSNP rs17053501).

Breakthrough Genomics
Classification: Benign. Review status: criteria provided, single submitter. Criteria: ACMG Guidelines, 2015. Collection method: not provided. Allele origin: germline. Inheritance: Autosomal recessive inheritance. Affected: yes.